The following is an entry in ClinVar:

ClinVar aggregate classification (germline): Uncertain significance (1 of 4 stars; one submission).

gnomAD v4.1: 1 of 1,608,796 alleles (0.000062%); no homozygotes.

Submission:

GeneDx
Classification: Uncertain significance. Last evaluated: 2025-04-25. Review status: criteria provided, single submitter. Criteria: GeneDx Variant Classification Process June 2021. Collection method: clinical testing. Allele origin: germline. Affected: yes.
Comment: Not observed at significant frequency in large population cohorts (gnomAD); In silico analysis indicates that this missense variant does not alter protein structure/function; Has not been previously published as pathogenic or benign to our knowledge

NM_002069.6(GNAI1):c.253A>G (p.Ile85Val)

Gene: GNAI1 (G protein subunit alpha i1; plus strand). Cytogenetic location: 7q21.11.
Variant type: single nucleotide variant.
Coding change: c.253A>G on transcript NM_002069.6 (MANE Select); coding-DNA position 253, A replaced by G.
Protein change: p.Ile85Val; replaces isoleucine 85 with valine.
Molecular consequence: missense variant.
Genome position (GRCh38, 1-based): chr7:80,189,181, A>G. VCF-style: chr7-80189181-A-G. GRCh37 (hg19) VCF-style: chr7-79818497-A-G.
Other names: c.97A>G, p.Ile33Val (NM_001256414.2); short protein forms I33V, I85V.
Identifiers: ClinVar variation 4527715 (VCV004527715.1).
Genomic context (GRCh38, chr7:80,189,181, plus strand): 5'-GAGTGTAAACAATACAAAGCAGTGGTCTACAGTAACACCATCCAGTCAATTATTGCTATC[A>G]TTAGGGCTATGGGGAGGTTGAAGATAGACTTTGGTGACTCAGCCCGGGCGGTAAGTTATT-3'
Protein context (NP_002060.4, residues 75-95): SNTIQSIIAI[Ile85Val]RAMGRLKIDF